The following is an entry in ClinVar:

ClinVar aggregate classification (germline): Uncertain significance (1 of 4 stars; one submission).

Allele frequency attached by ClinVar (database versions not stated): gnomAD exomes 0.00002.
gnomAD v4.1: 13 of 1,589,812 alleles (0.00082%); highest among the groups gnomAD compares: Non-Finnish European, 0.0011%; no homozygotes.

Submission:

Labcorp Genetics (formerly Invitae), Labcorp
Classification: Uncertain significance. Last evaluated: 2022-10-22. Review status: criteria provided, single submitter. Criteria: Invitae Variant Classification Sherloc (09022015). Collection method: clinical testing. Allele origin: germline.
Comment: This sequence change falls in intron 6 of the GATAD2B gene. It does not directly change the encoded amino acid sequence of the GATAD2B protein. This variant is not present in population databases (gnomAD no frequency). This variant has not been reported in the literature in individuals affected with GATAD2B-related conditions. Algorithms developed to predict the effect of sequence changes on RNA splicing suggest that this variant may disrupt the consensus splice site. In summary, the available evidence is currently insufficient to determine the role of this variant in disease. Therefore, it has been classified as a Variant of Uncertain Significance.

NM_020699.4(GATAD2B):c.901-10T>A

Gene: GATAD2B (GATA zinc finger domain containing 2B; minus strand). Cytogenetic location: 1q21.3.
Variant type: single nucleotide variant.
Coding change: c.901-10T>A on transcript NM_020699.4 (MANE Select); 10 bases into the intron before coding-DNA position 901, T replaced by A.
Molecular consequence: intron variant.
Genome position (GRCh38, 1-based): chr1:153,816,598, A>T on the plus strand (T>A on the coding strand, the complement: GATAD2B is on the minus strand). VCF-style: chr1-153816598-A-T. GRCh37 (hg19) VCF-style: chr1-153789074-A-T.
Identifiers: ClinVar variation 2026576 (VCV002026576.4), dbSNP rs2525248596, ClinGen allele CA2574060047.
Genomic context (GRCh38, chr1:153,816,598, plus strand): 5'-ATAGATGGCAGAGGATGTTGTACGCTGACATGGAACAGAAGAACTTGACTGCTGAAATAG[A>T]TTGAGAATGCGGTCAATCATGGTATGCAGGAGAAAGGGCCAATTCTTACGTTCTTGGCAG-3'